The following is an entry in ClinVar:

NM_003978.5(PSTPIP1):c.868C>T (p.Arg290Trp)

Gene: PSTPIP1 (proline-serine-threonine phosphatase interacting protein 1; plus strand). Cytogenetic location: 15q24.3.
Variant type: single nucleotide variant.
Coding change: c.868C>T on transcript NM_003978.5 (MANE Select); coding-DNA position 868, C replaced by T.
Protein change: p.Arg290Trp; replaces arginine 290 with tryptophan.
Molecular consequence: missense variant. On other transcripts: intron variant (1).
Genome position (GRCh38, 1-based): chr15:77,032,891, C>T. VCF-style: chr15-77032891-C-T. GRCh37 (hg19) VCF-style: chr15-77325232-C-T.
Other names: c.841C>T, p.Arg281Trp (NM_001321136.2); c.1063C>T, p.Arg355Trp (NM_001321137.1); c.868C>T, p.Arg290Trp (NM_001411086.1); c.872+463C>T (NM_001321135.2); short protein forms R281W, R290W, R355W.
Identifiers: ClinVar variation 2198669 (VCV002198669.7), dbSNP rs1019175249, ClinGen allele CA273760685.
Genomic context (GRCh38, chr15:77,032,891, plus strand): 5'-CGCCCTGGGGCTCACGGCTTGCTGTCTGCAGCTCCGGTGCCCTACCAGAACTATTACGAT[C>T]GGGAGGTCACCCCGCTGACCAGCAGCCCTGGCATACAGCCGTCCTGCGGCATGATAAAGA-3'
Protein context (NP_003969.2, residues 280-300): APVPYQNYYD[Arg290Trp]EVTPLTSSPG

ClinVar aggregate classification (germline): Uncertain significance. Review status: criteria provided, multiple submitters, no conflicts (2 of 4 stars). 2 submissions from 2 submitters: Uncertain significance (2). Last evaluated 2025-08-25.

Conditions:
Pyogenic arthritis-pyoderma gangrenosum-acne syndrome (PAPA). Also called: PAPA SYNDROME; FAMILIAL RECURRENT ARTHRITIS. Identifiers: Orphanet 69126, MedGen C1858361, MONDO:0011462, OMIM 604416.
Inborn genetic diseases. Identifiers: MedGen C0950123, MeSH D030342.

Allele frequency attached by ClinVar (database versions not stated): TOPMed 0.00001; gnomAD 0.00003.
gnomAD v4.1: 13 of 1,601,762 alleles (0.00081%); highest among the groups gnomAD compares: African/African-American, 0.0013%; no homozygotes.

Submissions (2):

Ambry Genetics
Classification: Uncertain significance for Inborn genetic diseases. Last evaluated: 2025-08-25. Review status: criteria provided, single submitter. Criteria: Ambry Variant Classification Scheme 2023. Collection method: clinical testing. Allele origin: germline.

Labcorp Genetics (formerly Invitae), Labcorp
Classification: Uncertain significance for Pyogenic arthritis-pyoderma gangrenosum-acne syndrome. Last evaluated: 2022-11-08. Review status: criteria provided, single submitter. Criteria: Invitae Variant Classification Sherloc (09022015). Collection method: clinical testing. Allele origin: germline.
Comment: In summary, the available evidence is currently insufficient to determine the role of this variant in disease. Therefore, it has been classified as a Variant of Uncertain Significance. Advanced modeling of protein sequence and biophysical properties (such as structural, functional, and spatial information, amino acid conservation, physicochemical variation, residue mobility, and thermodynamic stability) performed at Invitae indicates that this missense variant is not expected to disrupt PSTPIP1 protein function. This variant has not been reported in the literature in individuals affected with PSTPIP1-related conditions. This variant is present in population databases (no rsID available, gnomAD 0.003%). This sequence change replaces arginine, which is basic and polar, with tryptophan, which is neutral and slightly polar, at codon 290 of the PSTPIP1 protein (p.Arg290Trp).